The following is an entry in ClinVar:

NM_002529.4(NTRK1):c.321G>T (p.Ala107=)

Gene: NTRK1 (neurotrophic receptor tyrosine kinase 1; plus strand). Cytogenetic location: 1q23.1.
Variant type: single nucleotide variant.
Coding change: c.321G>T on transcript NM_002529.4 (MANE Select); coding-DNA position 321, G replaced by T.
Protein change: p.Ala107=; no amino-acid change (alanine 107 retained).
Molecular consequence: synonymous variant.
Genome position (GRCh38, 1-based): chr1:156,864,761, G>T. VCF-style: chr1-156864761-G-T. GRCh37 (hg19) VCF-style: chr1-156834553-G-T.
Other names: c.231G>T, p.Ala77= (NM_001007792.1); c.321G>T, p.Ala107= (NM_001012331.2); c.321G>T (NM_002529.3).
Identifiers: ClinVar variation 380624 (VCV000380624.12), dbSNP rs774351278, ClinGen allele CA16603446.
Genomic context (GRCh38, chr1:156,864,761, plus strand): 5'-GACTGATCCTCCTGCACCCCTCCCCAGCACCATCGTGAAGAGTGGTCTCCGTTTCGTGGC[G>T]CCAGATGCCTTCCATTTCACTCCTCGGCTCAGTCGCCTGTGAGTGTGGCCAGTGCTGGGC-3'
Protein context (NP_002520.2, residues 97-117): TIVKSGLRFV[Ala107=]PDAFHFTPRL

ClinVar aggregate classification (germline): Likely benign. Review status: criteria provided, multiple submitters, no conflicts (2 of 4 stars). 5 submissions from 5 submitters: Likely benign (5). Last evaluated 2025-09-17.

Conditions:
NTRK1-related disorder. Also called: NTRK1-related condition.
Inborn genetic diseases. Identifiers: MedGen C0950123, MeSH D030342.
Hereditary insensitivity to pain with anhidrosis (CIPA). Also called: INSENSITIVITY TO PAIN, CONGENITAL, WITH ANHIDROSIS; NTRK1 Congenital Insensitivity to Pain with Anhidrosis; NEUROPATHY, CONGENITAL SENSORY, WITH ANHIDROSIS; HSAN Type IV; FAMILIAL DYSAUTONOMIA, TYPE II; hereditary sensory and autonomic neuropathy type 4. Identifiers: Orphanet 642, MedGen C0020074, MONDO:0009746, OMIM 256800.

Allele frequency attached by ClinVar (database versions not stated): TOPMed 0.00001.
gnomAD v4.1: 8 of 1,614,064 alleles (0.0005%); highest among the groups gnomAD compares: African/African-American, 0.004%; no homozygotes.

Submissions (5):

PreventionGenetics, part of Exact Sciences
Classification: Likely benign for NTRK1-related condition. Last evaluated: 2025-09-17. Review status: criteria provided, single submitter. Criteria: ACMG Guidelines, 2015. Collection method: clinical testing. Allele origin: germline.
Comment: This variant is classified as likely benign based on ACMG/AMP sequence variant interpretation guidelines (Richards et al. 2015 PMID: 25741868, with internal and published modifications).

Labcorp Genetics (formerly Invitae), Labcorp
Classification: Likely benign for Hereditary insensitivity to pain with anhidrosis. Last evaluated: 2024-08-23. Review status: criteria provided, single submitter. Criteria: Invitae Variant Classification Sherloc (09022015). Collection method: clinical testing. Allele origin: germline.

Genome-Nilou Lab
Classification: Likely benign for Hereditary insensitivity to pain with anhidrosis. Last evaluated: 2023-04-11. Review status: criteria provided, single submitter. Criteria: ACMG Guidelines, 2015. Collection method: clinical testing. Allele origin: germline. Affected: no.

Ambry Genetics
Classification: Likely benign for Inborn genetic diseases. Last evaluated: 2019-07-11. Review status: criteria provided, single submitter. Criteria: Ambry Variant Classification Scheme 2023. Collection method: clinical testing. Allele origin: germline.

GeneDx
Classification: Likely benign. Last evaluated: 2015-09-14. Review status: criteria provided, single submitter. Criteria: GeneDx Variant Classification (06012015). Collection method: clinical testing. Allele origin: germline. Affected: yes.
Comment: This variant is considered likely benign or benign based on one or more of the following criteria: it is a conservative change, it occurs at a poorly conserved position in the protein, it is predicted to be benign by multiple in silico algorithms, and/or has population frequency not consistent with disease.